The following is an entry in ClinVar:

NM_053025.4(MYLK):c.599C>G (p.Pro200Arg)

Gene: MYLK (myosin light chain kinase; minus strand). Cytogenetic location: 3q21.1.
Variant type: single nucleotide variant.
Coding change: c.599C>G on transcript NM_053025.4 (MANE Select); coding-DNA position 599, C replaced by G.
Protein change: p.Pro200Arg; replaces proline 200 with arginine.
Molecular consequence: missense variant.
Genome position (GRCh38, 1-based): chr3:123,737,533, G>C on the plus strand (C>G on the coding strand, the complement: MYLK is on the minus strand). VCF-style: chr3-123737533-G-C. GRCh37 (hg19) VCF-style: chr3-123456380-G-C.
Other names: c.71C>G, p.Pro24Arg (NM_001321309.2); c.599C>G, p.Pro200Arg (NM_053026.4, NM_053027.4, NM_053028.4); short protein forms P24R, P200R.
Identifiers: ClinVar variation 4708449 (VCV004708449.1).
Genomic context (GRCh38, chr3:123,737,533, plus strand): 5'-ATTTCCAGAACCTGCATGCCGTTCTTCTCAGACACAGACACACGGGCACTCGGCTGCAGT[G>C]GAACATTTCCCTGTGGATGGCAATGGGGTAACTTGGTCATACAAATCTGCTCACCTTCTG-3'
Protein context (NP_444253.3, residues 190-210): PQVTWLKGNV[Pro200Arg]LQPSARVSVS

ClinVar aggregate classification (germline): Uncertain significance (1 of 4 stars; one submission).

Conditions:
Aortic aneurysm, familial thoracic 7 (AAT7). Also called: AORTIC DISSECTION, FAMILIAL, WITH OR WITHOUT AORTIC ANEURYSM. Identifiers: MedGen C3151077, MONDO:0013418, OMIM 613780.

Submission:

Labcorp Genetics (formerly Invitae), Labcorp
Classification: Uncertain significance for Aortic aneurysm, familial thoracic 7. Last evaluated: 2025-07-24. Review status: criteria provided, single submitter. Criteria: Invitae Variant Classification Sherloc (09022015). Collection method: clinical testing. Allele origin: germline.
Comment: This sequence change replaces proline, which is neutral and non-polar, with arginine, which is basic and polar, at codon 200 of the MYLK protein (p.Pro200Arg). This variant is not present in population databases (gnomAD no frequency). This variant has not been reported in the literature in individuals affected with MYLK-related conditions. Invitae Evidence Modeling of protein sequence and biophysical properties (such as structural, functional, and spatial information, amino acid conservation, physicochemical variation, residue mobility, and thermodynamic stability) indicates that this missense variant is not expected to disrupt MYLK protein function with a negative predictive value of 95%. In summary, the available evidence is currently insufficient to determine the role of this variant in disease. Therefore, it has been classified as a Variant of Uncertain Significance.